The following is an entry in ClinVar:

NM_147127.5(EVC2):c.1931G>A (p.Arg644Gln)

Gene: EVC2 (EvC ciliary complex subunit 2; minus strand). Cytogenetic location: 4p16.2.
Variant type: single nucleotide variant.
Coding change: c.1931G>A on transcript NM_147127.5 (MANE Select); coding-DNA position 1931, G replaced by A.
Protein change: p.Arg644Gln; replaces arginine 644 with glutamine.
Molecular consequence: missense variant.
Genome position (GRCh38, 1-based): chr4:5,625,864, C>T on the plus strand (G>A on the coding strand, the complement: EVC2 is on the minus strand). VCF-style: chr4-5625864-C-T. GRCh37 (hg19) VCF-style: chr4-5627591-C-T.
Other names: c.1691G>A, p.Arg564Gln (NM_001166136.2); short protein forms R564Q, R644Q.
Identifiers: ClinVar variation 905837 (VCV000905837.17), dbSNP rs773470850, ClinGen allele CA2834877.

ClinVar aggregate classification (germline): Uncertain significance. Review status: criteria provided, multiple submitters, no conflicts (2 of 4 stars). 7 submissions from 7 submitters: Uncertain significance (7). Last evaluated 2025-12-30.

Conditions:
EVC2-related disorder. Also called: EVC2-related condition.
Inborn genetic diseases. Identifiers: MedGen C0950123, MeSH D030342.
Curry-Hall syndrome (WAD). Also called: WEYERS ACRODENTAL DYSOSTOSIS. Identifiers: Orphanet 952, MedGen C0457013, MONDO:0008673, OMIM 193530.
Ellis-van Creveld syndrome (EVC). Also called: Chondroectodermal dysplasia; MESOECTODERMAL DYSPLASIA. Identifiers: Orphanet 289, MedGen C0013903, MONDO:0009162, OMIM 225500.

Allele frequency attached by ClinVar (database versions not stated): ExAC 0.00001; gnomAD 0.00001; gnomAD exomes 0.00001 and 0.00004; TOPMed 0.00002.

Submissions (7):

Ambry Genetics
Classification: Uncertain significance for Inborn genetic diseases. Last evaluated: 2025-12-30. Review status: criteria provided, single submitter. Criteria: Ambry Variant Classification Scheme 2023. Collection method: clinical testing. Allele origin: germline.

Labcorp Genetics (formerly Invitae), Labcorp
Classification: Uncertain significance for Curry-Hall syndrome; Ellis-van Creveld syndrome. Last evaluated: 2025-08-04. Review status: criteria provided, single submitter. Criteria: Invitae Variant Classification Sherloc (09022015). Collection method: clinical testing. Allele origin: germline.
Comment: This sequence change replaces arginine, which is basic and polar, with glutamine, which is neutral and polar, at codon 644 of the EVC2 protein (p.Arg644Gln). The frequency data for this variant in the population databases is considered unreliable, as metrics indicate poor data quality at this position in the gnomAD database. This variant has not been reported in the literature in individuals affected with EVC2-related conditions. ClinVar contains an entry for this variant (Variation ID: 905837). An algorithm developed to predict the effect of missense changes on protein structure and function (PolyPhen-2) suggests that this variant is likely to be disruptive. In summary, the available evidence is currently insufficient to determine the role of this variant in disease. Therefore, it has been classified as a Variant of Uncertain Significance.

Myriad Genetics, Inc.
Classification: Uncertain significance for Ellis-van Creveld syndrome. Last evaluated: 2025-08-04. Review status: criteria provided, single submitter. Criteria: Myriad Autosomal Dominant, Autosomal Recessive and X-Linked Classification Criteria (2023). Collection method: clinical testing. Allele origin: unknown.
Comment: NM_147127.4(EVC2):c.1931G>A(R644Q) is a missense variant classified as a variant of uncertain significance in the context of EVC2-related Ellis-van Creveld syndrome. R644Q has not been observed in cases with relevant disease. Relevant functional assessments of this variant are not available in the literature. R644Q has been observed in referenced population frequency databases. In summary, there is insufficient evidence to classify NM_147127.4(EVC2):c.1931G>A(R644Q) as pathogenic or benign. Please note: this variant was assessed in the context of healthy population screening.

PreventionGenetics, part of Exact Sciences
Classification: Uncertain significance for EVC2-related condition. Last evaluated: 2025-05-28. Review status: criteria provided, single submitter. Criteria: ACMG Guidelines, 2015. Collection method: clinical testing. Allele origin: germline.
Comment: The EVC2 c.1931G>A variant is predicted to result in the amino acid substitution p.Arg644Gln. To our knowledge, this variant has not been reported in the literature. This variant is reported in 0.0033% of alleles in individuals of South Asian descent in gnomAD. At this time, the clinical significance of this variant is uncertain due to the absence of conclusive functional and genetic evidence.

GeneDx
Classification: Uncertain significance. Last evaluated: 2024-11-25. Review status: criteria provided, single submitter. Criteria: GeneDx Variant Classification Process June 2021. Collection method: clinical testing. Allele origin: germline. Affected: yes.
Comment: Not observed at significant frequency in large population cohorts (gnomAD); In silico analysis indicates that this missense variant does not alter protein structure/function; Has not been previously published as pathogenic or benign to our knowledge

ARUP Laboratories, Molecular Genetics and Genomics, ARUP Laboratories
Classification: Uncertain significance. Last evaluated: 2019-09-27. Review status: criteria provided, single submitter. Criteria: ARUP Molecular Germline Variant Investigation Process. Collection method: clinical testing. Allele origin: germline.
Comment: The EVC2 c.1931G>A; p.Arg644Gln variant (rs773470850), to our knowledge, is not reported in the medical literature or gene specific databases. This variant is only observed on three alleles in the Genome Aggregation Database, indicating it is not a common polymorphism. The arginine at codon 644 is highly conserved, and computational analyses (SIFT, PolyPhen-2) predict that this variant is deleterious. Due to limited information, the clinical significance of the p.Arg644Gln variant is uncertain at this time.

Illumina Laboratory Services, Illumina
Classification: Uncertain significance for Ellis-van Creveld syndrome. Last evaluated: 2018-01-13. Review status: criteria provided, single submitter. Criteria: ICSL Variant Classification Criteria 13 December 2019. Collection method: clinical testing. Allele origin: germline.